The following is an entry in ClinVar:

ClinVar aggregate classification (germline): Conflicting classifications of pathogenicity. Review status: criteria provided, conflicting classifications (1 of 4 stars). 5 submissions from 5 submitters: Uncertain significance (2); Likely benign (3). Last evaluated 2025-12-08.

Conditions:
CNGA3-related disorder. Also called: CNGA3-related condition.
Achromatopsia 2 (ACHM2). Also called: COLORBLINDNESS, TOTAL; ROD MONOCHROMACY 2; ROD MONOCHROMATISM 2. Identifiers: Orphanet 49382, MedGen C1857618, MONDO:0009003, OMIM 216900.

Allele frequency attached by ClinVar (database versions not stated): gnomAD exomes 0.00006 and 0.00014; ExAC 0.00018; TOPMed 0.00072; 1000 Genomes Project 30x 0.00078; 1000 Genomes Project 0.00080; gnomAD 0.00083; ESP Exome Variant Server 0.00092.

Submissions (5):

Labcorp Genetics (formerly Invitae), Labcorp
Classification: Likely benign. Last evaluated: 2025-12-08. Review status: criteria provided, single submitter. Criteria: Invitae Variant Classification Sherloc (09022015). Collection method: clinical testing. Allele origin: germline.

PreventionGenetics, part of Exact Sciences
Classification: Likely benign for CNGA3-related condition. Last evaluated: 2025-02-20. Review status: criteria provided, single submitter. Criteria: ACMG Guidelines, 2015. Collection method: clinical testing. Allele origin: germline.
Comment: This variant is classified as likely benign based on ACMG/AMP sequence variant interpretation guidelines (Richards et al. 2015 PMID: 25741868, with internal and published modifications).

Blueprint Genetics
Classification: Likely benign. Last evaluated: 2024-08-06. Review status: criteria provided, single submitter. Criteria: ACMG Guidelines, 2015. Collection method: clinical testing. Allele origin: germline.

Illumina Laboratory Services, Illumina
Classification: Uncertain significance for Achromatopsia 2. Last evaluated: 2017-04-28. Review status: criteria provided, single submitter. Criteria: ICSL Variant Classification Criteria 13 December 2019. Collection method: clinical testing. Allele origin: germline.
Comment: This variant was observed as part of a predisposition screen in an ostensibly healthy population. A literature search was performed for the gene, cDNA change, and amino acid change (where applicable). Publications were found based on this search. However, the evidence from the literature, in combination with allele frequency data from public databases where available, was not sufficient to rule this variant in or out of causing disease. Therefore, this variant is classified as a variant of unknown significance.

Eurofins Ntd Llc (ga)
Classification: Uncertain significance. Last evaluated: 2016-07-05. Review status: criteria provided, single submitter. Criteria: EGL Classification Definitions 2015. Collection method: clinical testing. Allele origin: germline. Observed: 1 variant allele, 1 heterozygote.

Literature cited by the submitters: PubMed 20079539 (cited by Illumina Laboratory Services, Illumina).

NM_001298.3(CNGA3):c.284C>T (p.Pro95Leu)

Gene: CNGA3 (cyclic nucleotide gated channel subunit alpha 3; plus strand). Cytogenetic location: 2q11.2.
Variant type: single nucleotide variant.
Coding change: c.284C>T on transcript NM_001298.3 (MANE Select); coding-DNA position 284, C replaced by T.
Protein change: p.Pro95Leu; replaces proline 95 with leucine.
Molecular consequence: missense variant.
Genome position (GRCh38, 1-based): chr2:98,380,243, C>T. VCF-style: chr2-98380243-C-T. GRCh37 (hg19) VCF-style: chr2-98996706-C-T.
Other names: c.284C>T, p.Pro95Leu (NM_001079878.2); short protein forms P95L.
Identifiers: ClinVar variation 288342 (VCV000288342.20), dbSNP rs114108462, ClinGen allele CA1793686.